The following is an entry in ClinVar:

ClinVar aggregate classification (germline): Likely pathogenic (1 of 4 stars; one submission).

gnomAD v4.1: 1 of 1,614,102 alleles (0.000062%); no homozygotes.

Submission:

Labcorp Genetics (formerly Invitae), Labcorp
Classification: Likely pathogenic. Last evaluated: 2023-10-18. Review status: criteria provided, single submitter. Criteria: Invitae Variant Classification Sherloc (09022015). Collection method: clinical testing. Allele origin: germline.
Comment: This sequence change affects an acceptor splice site in intron 3 of the PCNT gene. It is expected to disrupt RNA splicing. Variants that disrupt the donor or acceptor splice site typically lead to a loss of protein function (PMID: 16199547), and loss-of-function variants in PCNT are known to be pathogenic (PMID: 18174396, 22821869). This variant is not present in population databases (gnomAD no frequency). This variant has not been reported in the literature in individuals affected with PCNT-related conditions. Algorithms developed to predict the effect of sequence changes on RNA splicing suggest that this variant may disrupt the consensus splice site. In summary, the currently available evidence indicates that the variant is pathogenic, but additional data are needed to prove that conclusively. Therefore, this variant has been classified as Likely Pathogenic.

Literature cited by the submitters: PubMed 16199547; PubMed 18174396; PubMed 22821869.

NM_006031.6(PCNT):c.640-1G>A

Gene: PCNT (pericentrin; plus strand). Cytogenetic location: 21q22.3.
Variant type: single nucleotide variant.
Coding change: c.640-1G>A on transcript NM_006031.6 (MANE Select); the canonical splice acceptor site of the intron before coding-DNA position 640, G replaced by A.
Molecular consequence: splice acceptor variant.
Genome position (GRCh38, 1-based): chr21:46,346,127, G>A. VCF-style: chr21-46346127-G-A. GRCh37 (hg19) VCF-style: chr21-47766041-G-A.
Other names: c.286-1G>A (NM_001315529.2).
Identifiers: ClinVar variation 2753558 (VCV002753558.3), dbSNP rs2518050288, ClinGen allele CA410551819.